The following is an entry in ClinVar:

NM_152641.4(ARID2):c.5305C>T (p.Arg1769Ter)

Gene: ARID2 (AT-rich interaction domain 2; plus strand). Cytogenetic location: 12q12.
Variant type: single nucleotide variant.
Coding change: c.5305C>T on transcript NM_152641.4 (MANE Select); coding-DNA position 5305, C replaced by T.
Protein change: p.Arg1769Ter; replaces arginine 1769 with a stop codon.
Molecular consequence: nonsense.
Genome position (GRCh38, 1-based): chr12:45,893,663, C>T. VCF-style: chr12-45893663-C-T. GRCh37 (hg19) VCF-style: chr12-46287446-C-T.
Other names: c.5305C>T, p.Arg1769Ter (NM_001347839.2); short protein forms R1769*.
Identifiers: ClinVar variation 451913 (VCV000451913.7), dbSNP rs774801990, ClinGen allele CA6526870.

ClinVar aggregate classification (germline): Pathogenic. Review status: criteria provided, multiple submitters, no conflicts (2 of 4 stars). 3 submissions from 3 submitters: Pathogenic (2). 1 of the submissions does not count toward it. Last evaluated 2025-12-19.
ClinVar aggregate classification (somatic clinical impact): Tier I - Strong (1 of 4 stars; one submission).

Conditions:
Inborn genetic diseases. Identifiers: MedGen C0950123, MeSH D030342.
Medulloblastoma WNT activated. Identifiers: MedGen C4331965, MONDO:0850196.

Allele frequency attached by ClinVar (database versions not stated): gnomAD exomes below 0.00001; ExAC 0.00001.
gnomAD v4.1: 1 of 1,606,158 alleles (0.000062%); highest among the groups gnomAD compares: Non-Finnish European, 0.000085%; no homozygotes.

Submissions (4):

Ambry Genetics
Classification: Pathogenic for Inborn genetic diseases. Last evaluated: 2025-12-19. Review status: criteria provided, single submitter. Criteria: Ambry Variant Classification Scheme 2023. Collection method: clinical testing. Allele origin: germline.
Comment: The c.5305C>T (p.R1769*) alteration, located in exon 20 (coding exon 20) of the ARID2 gene, consists of a C to T substitution at nucleotide position 5305. This changes the amino acid from an arginine (R) to a stop codon at amino acid position 1769. This alteration is expected to result in loss of function by premature protein truncation or nonsense-mediated mRNA decay. Based on data from gnomAD, the T allele has an overall frequency of <0.001% (0/244726) total alleles studied. The highest observed frequency was <0.001% (/) of alleles. This variant was determined to be de novo in at least one individual with features consistent with ARID2-related Coffin-Siris syndrome (Schrier Vergano, 2024). Based on the available evidence, this alteration is classified as pathogenic.

Institute for Genomic Medicine (IGM) Clinical Laboratory, Nationwide Children's Hospital
Classification: Tier I - Strong for Medulloblastoma WNT activated. Assertion type: diagnostic. Clinical significance: supports diagnosis. Last evaluated: 2023-02-24. Review status: criteria provided, single submitter. Criteria: AMP/ASCO/CAP Guidelines, 2017. Collection method: clinical testing. Allele origin: somatic. Affected: yes.
Comment: Variant has Tier I (strong) clinical significance as a diagnostic inclusion criterion in medulloblastoma WNT activated, based on the following evidence: 1) Documented in one or more cancer databases (e.g., St. Jude Pecan, COSMIC, CIViC, OncoKB). 2) Appears in one or more well-established professional guidelines (e.g., World Health Organization [WHO]; National Comprehensive Cancer Network [NCCN]) as providing diagnostic, prognostic, or therapeutic information (PMIDs: 33172502, 28726821, 35489737, 31819232). 3) Diagnostic for a specific tumor type/classification based on well-powered studies with expert-level consensus (Evidence Level B; PMIDs: 33172502, 28726821, 35489737, 31819232).

GeneDx
Classification: Pathogenic. Last evaluated: 2022-03-07. Review status: criteria provided, single submitter. Criteria: GeneDx Variant Classification Process June 2021. Collection method: clinical testing. Allele origin: germline. Affected: yes.
Comment: Nonsense variant predicted to result in protein truncation or nonsense mediated decay in a gene for which loss-of-function is a known mechanism of disease; Not observed at significant frequency in large population cohorts (gnomAD); Has not been previously reported as a pathogenic or benign germline variant to our knowledge; This variant is associated with the following publications: (PMID: 34364112)

Laboratory of Molecular Genetics (Pr. Bezieau's lab), CHU de Nantes
Classification: Pathogenic. Last evaluated: 2017-07-24. Review status: no assertion criteria provided. Collection method: clinical testing. Allele origin: germline. Affected: yes. Not counted in ClinVar's aggregate classification.

Literature cited by the submitters: PubMed 38243407 (cited by Ambry Genetics); PubMed 33172502 (cited by Institute for Genomic Medicine (IGM) Clinical Laboratory, Nationwide Children's Hospital); PubMed 28726821 (cited by Institute for Genomic Medicine (IGM) Clinical Laboratory, Nationwide Children's Hospital); PubMed 35489737 (cited by Institute for Genomic Medicine (IGM) Clinical Laboratory, Nationwide Children's Hospital); PubMed 31819232 (cited by Institute for Genomic Medicine (IGM) Clinical Laboratory, Nationwide Children's Hospital).